The following is an entry in ClinVar:

ClinVar aggregate classification (germline): Conflicting classifications of pathogenicity. Review status: criteria provided, conflicting classifications (1 of 4 stars). 3 submissions from 3 submitters: Uncertain significance (2); Likely benign (1). Last evaluated 2026-08-06.

Conditions:
Neurofibromatosis, type 1 (NF1). Also called: NEUROFIBROMATOSIS, TYPE I, SOMATIC; Neurofibromatosis, type I; VON RECKLINGHAUSEN DISEASE; Peripheral type neurofibromatosis. Identifiers: Orphanet 636, MedGen C0027831, MONDO:0018975, OMIM 162200. Disease mechanism: loss of function.
Hereditary cancer-predisposing syndrome. Also called: Tumor predisposition; Hereditary neoplastic syndrome; Neoplastic Syndromes, Hereditary; Hereditary Cancer Syndrome. Identifiers: Orphanet 140162, MedGen C0027672, MeSH D009386, MONDO:0015356.
Cardiovascular phenotype. Identifiers: MedGen CN230736.

Submissions (3):

Ambry Genetics
Classification: Likely benign for Cardiovascular phenotype; Hereditary cancer-predisposing syndrome. Last evaluated: 2026-08-06. Review status: criteria provided, single submitter. Criteria: Ambry Variant Classification Scheme 2023. Collection method: clinical testing. Allele origin: germline.

GeneDx
Classification: Uncertain significance. Last evaluated: 2022-10-26. Review status: criteria provided, single submitter. Criteria: GeneDx Variant Classification Process June 2021. Collection method: clinical testing. Allele origin: germline. Affected: yes.
Comment: Not observed at significant frequency in large population cohorts (gnomAD); In silico analysis supports that this missense variant does not alter protein structure/function; Has not been previously published as pathogenic or benign to our knowledge; This variant is associated with the following publications: (PMID: 25486365)

Labcorp Genetics (formerly Invitae), Labcorp
Classification: Uncertain significance for Neurofibromatosis, type 1. Last evaluated: 2022-09-10. Review status: criteria provided, single submitter. Criteria: Invitae Variant Classification Sherloc (09022015). Collection method: clinical testing. Allele origin: germline.
Comment: In summary, the available evidence is currently insufficient to determine the role of this variant in disease. Therefore, it has been classified as a Variant of Uncertain Significance. Advanced modeling of protein sequence and biophysical properties (such as structural, functional, and spatial information, amino acid conservation, physicochemical variation, residue mobility, and thermodynamic stability) has been performed at Invitae for this missense variant, however the output from this modeling did not meet the statistical confidence thresholds required to predict the impact of this variant on NF1 protein function. This variant has not been reported in the literature in individuals affected with NF1-related conditions. This variant is not present in population databases (gnomAD no frequency). This sequence change replaces valine, which is neutral and non-polar, with isoleucine, which is neutral and non-polar, at codon 2635 of the NF1 protein (p.Val2635Ile).

NM_001042492.3(NF1):c.7966G>A (p.Val2656Ile)

Gene: NF1 (neurofibromin 1; plus strand). Cytogenetic location: 17q11.2.
Variant type: single nucleotide variant.
Coding change: c.7966G>A on transcript NM_001042492.3 (MANE Select); coding-DNA position 7966, G replaced by A.
Protein change: p.Val2656Ile; replaces valine 2656 with isoleucine.
Molecular consequence: missense variant.
Genome position (GRCh38, 1-based): chr17:31,357,365, G>A. VCF-style: chr17-31357365-G-A. GRCh37 (hg19) VCF-style: chr17-29684383-G-A.
Other names: c.7903G>A, p.Val2635Ile (NM_000267.4); short protein forms V2635I, V2656I.
Identifiers: ClinVar variation 1719221 (VCV001719221.9), dbSNP rs2151583465, ClinGen allele CA399203559.